The following is an entry in ClinVar:

NM_014423.4(AFF4):c.1054T>G (p.Ser352Ala)

Gene: AFF4 (ALF transcription elongation factor 4; minus strand). Cytogenetic location: 5q31.1.
Variant type: single nucleotide variant.
Coding change: c.1054T>G on transcript NM_014423.4 (MANE Select); coding-DNA position 1054, T replaced by G.
Protein change: p.Ser352Ala; replaces serine 352 with alanine.
Molecular consequence: missense variant.
Genome position (GRCh38, 1-based): chr5:132,904,401, A>C on the plus strand (T>G on the coding strand, the complement: AFF4 is on the minus strand). VCF-style: chr5-132904401-A-C. GRCh37 (hg19) VCF-style: chr5-132240093-A-C.
Other names: short protein forms S352A.
Identifiers: ClinVar variation 4743926 (VCV004743926.1).

ClinVar aggregate classification (germline): Uncertain significance (1 of 4 stars; one submission).

Conditions:
Cognitive impairment - coarse facies - heart defects - obesity - pulmonary involvement - short stature - skeletal dysplasia syndrome. Also called: COGNITIVE IMPAIRMENT, COARSE FACIES, HEART DEFECTS, OBESITY, PULMONARY INVOLVEMENT, SHORT STATURE, AND SKELETAL DYSPLASIA; Chops syndrome; AFF4-Related CHOPS Syndrome. Identifiers: Orphanet 444077, MedGen C4085597, MONDO:0014609, OMIM 616368.

Submission:

Labcorp Genetics (formerly Invitae), Labcorp
Classification: Uncertain significance for Cognitive impairment - coarse facies - heart defects - obesity - pulmonary involvement - short stature - skeletal dysplasia syndrome. Last evaluated: 2025-12-16. Review status: criteria provided, single submitter. Criteria: Invitae Variant Classification Sherloc (09022015). Collection method: clinical testing. Allele origin: germline.
Comment: This sequence change replaces serine, which is neutral and polar, with alanine, which is neutral and non-polar, at codon 352 of the AFF4 protein (p.Ser352Ala). This variant is not present in population databases (gnomAD no frequency). This variant has not been reported in the literature in individuals affected with AFF4-related conditions. Invitae Evidence Modeling of protein sequence and biophysical properties (such as structural, functional, and spatial information, amino acid conservation, physicochemical variation, residue mobility, and thermodynamic stability) indicates that this missense variant is not expected to disrupt AFF4 protein function with a negative predictive value of 80%. In summary, the available evidence is currently insufficient to determine the role of this variant in disease. Therefore, it has been classified as a Variant of Uncertain Significance.